The following is an entry in ClinVar:

ClinVar aggregate classification (germline): Uncertain significance. Review status: criteria provided, multiple submitters, no conflicts (2 of 4 stars). 2 submissions from 2 submitters: Uncertain significance (2). Last evaluated 2025-05-09.

Conditions:
Inborn genetic diseases. Identifiers: MedGen C0950123, MeSH D030342.

Submissions (2):

Ambry Genetics
Classification: Uncertain significance for Inborn genetic diseases. Last evaluated: 2025-05-09. Review status: criteria provided, single submitter. Criteria: Ambry Variant Classification Scheme 2023. Collection method: clinical testing. Allele origin: germline.
Comment: The p.N344S variant (also known as c.1031A>G), located in coding exon 8 of the KDM1A gene, results from an A to G substitution at nucleotide position 1031. The asparagine at codon 344 is replaced by serine, an amino acid with highly similar properties. This amino acid position is conserved. In addition, this alteration is predicted to be tolerated by in silico analysis. Based on the available evidence, the clinical significance of this variant remains unclear.

Labcorp Genetics (formerly Invitae), Labcorp
Classification: Uncertain significance. Last evaluated: 2023-03-24. Review status: criteria provided, single submitter. Criteria: Invitae Variant Classification Sherloc (09022015). Collection method: clinical testing. Allele origin: germline.
Comment: This sequence change replaces asparagine, which is neutral and polar, with serine, which is neutral and polar, at codon 344 of the KDM1A protein (p.Asn344Ser). This variant is not present in population databases (gnomAD no frequency). This variant has not been reported in the literature in individuals affected with KDM1A-related conditions. Advanced modeling of protein sequence and biophysical properties (such as structural, functional, and spatial information, amino acid conservation, physicochemical variation, residue mobility, and thermodynamic stability) performed at Invitae indicates that this missense variant is not expected to disrupt KDM1A protein function. In summary, the available evidence is currently insufficient to determine the role of this variant in disease. Therefore, it has been classified as a Variant of Uncertain Significance.

NM_001009999.3(KDM1A):c.1031A>G (p.Asn344Ser)

Gene: KDM1A (lysine demethylase 1A; plus strand). Cytogenetic location: 1p36.12.
Variant type: single nucleotide variant.
Coding change: c.1031A>G on transcript NM_001009999.3 (MANE Select); coding-DNA position 1031, A replaced by G.
Protein change: p.Asn344Ser; replaces asparagine 344 with serine.
Molecular consequence: missense variant.
Genome position (GRCh38, 1-based): chr1:23,057,524, A>G. VCF-style: chr1-23057524-A-G. GRCh37 (hg19) VCF-style: chr1-23384017-A-G.
Other names: c.971A>G, p.Asn324Ser (NM_001363654.2, NM_001410763.1, NM_015013.4); c.1031A>G, p.Asn344Ser (NM_001410762.1); c.1031A>G (NM_001009999.2); short protein forms N324S, N344S.
Identifiers: ClinVar variation 3019356 (VCV003019356.4), dbSNP rs2522703847, ClinGen allele CA338963606.
Genomic context (GRCh38, chr1:23,057,524, plus strand): 5'-CTACTTAATTTCTGAAACAGGATCGTGTGGGTGGACGAGTTGCCACATTTCGCAAAGGAA[A>G]CTATGTAGCTGATCTTGGAGCCATGGTGGTAACAGGTCTTGGTAAGTAGCTATTGGTTTG-3'
Protein context (NP_001009999.1, residues 334-354): GGRVATFRKG[Asn344Ser]YVADLGAMVV